The following is an entry in ClinVar:

NM_020779.4(WDR35):c.1228C>T (p.Pro410Ser)

Gene: WDR35 (WD repeat domain 35; minus strand). Cytogenetic location: 2p24.1.
Variant type: single nucleotide variant.
Coding change: c.1228C>T on transcript NM_020779.4 (MANE Select); coding-DNA position 1228, C replaced by T.
Protein change: p.Pro410Ser; replaces proline 410 with serine.
Molecular consequence: missense variant.
Genome position (GRCh38, 1-based): chr2:19,960,581, G>A on the plus strand (C>T on the coding strand, the complement: WDR35 is on the minus strand). VCF-style: chr2-19960581-G-A. GRCh37 (hg19) VCF-style: chr2-20160342-G-A.
Other names: c.1261C>T, p.Pro421Ser (NM_001006657.2); short protein forms P410S, P421S.
Identifiers: ClinVar variation 2951751 (VCV002951751.4), dbSNP rs537142424, ClinGen allele CA1543292.
Genomic context (GRCh38, chr2:19,960,581, plus strand): 5'-TTGGAAAAGAAATAAATATCAACATTTCCTTACCAATATCAATGTATTTGGGATCCAAGG[G>A]TGTACCAATAGAATTACAAAGAACTAGTACAAACTGTGAACAAATAAAACAAAAAGTATC-3'
Protein context (NP_065830.2, residues 400-420): VLVLCNSIGT[Pro410Ser]LDPKYIDIVP

ClinVar aggregate classification (germline): Uncertain significance. Review status: criteria provided, multiple submitters, no conflicts (2 of 4 stars). 2 submissions from 2 submitters: Uncertain significance (2). Last evaluated 2024-02-28.

Conditions:
Cranioectodermal dysplasia 2 (CED2). Identifiers: Orphanet 1515, MedGen C3150874, MONDO:0013323, OMIM 613610.
Short-rib thoracic dysplasia 7 with or without polydactyly (SRTD7). Also called: Short rib polydactyly syndrome 5; SHORT-RIB THORACIC DYSPLASIA 7 WITH POLYDACTYLY. Identifiers: Orphanet 498497, Orphanet 93271, MedGen C3279792, MONDO:0013569, OMIM 614091.

Allele frequency attached by ClinVar (database versions not stated): 1000 Genomes Project 30x 0.00047; 1000 Genomes Project 0.00060.
gnomAD v4.1: 19 of 1,609,154 alleles (0.0012%); highest among the groups gnomAD compares: South Asian, 0.019%; no homozygotes.

Submissions (2):

Blueprint Genetics
Classification: Uncertain significance. Last evaluated: 2024-02-28. Review status: criteria provided, single submitter. Criteria: ACMG Guidelines, 2015. Collection method: clinical testing. Allele origin: germline.

Labcorp Genetics (formerly Invitae), Labcorp
Classification: Uncertain significance for Cranioectodermal dysplasia 2; Short-rib thoracic dysplasia 7 with or without polydactyly. Last evaluated: 2023-07-17. Review status: criteria provided, single submitter. Criteria: Invitae Variant Classification Sherloc (09022015). Collection method: clinical testing. Allele origin: germline.
Comment: This sequence change replaces proline, which is neutral and non-polar, with serine, which is neutral and polar, at codon 421 of the WDR35 protein (p.Pro421Ser). In summary, the available evidence is currently insufficient to determine the role of this variant in disease. Therefore, it has been classified as a Variant of Uncertain Significance. Advanced modeling of protein sequence and biophysical properties (such as structural, functional, and spatial information, amino acid conservation, physicochemical variation, residue mobility, and thermodynamic stability) performed at Invitae indicates that this missense variant is not expected to disrupt WDR35 protein function. This variant has not been reported in the literature in individuals affected with WDR35-related conditions. This variant is present in population databases (rs537142424, gnomAD 0.03%).